The following is an entry in ClinVar:

NM_001040716.2(PC):c.736G>A (p.Glu246Lys)

Gene: PC (pyruvate carboxylase; minus strand). Cytogenetic location: 11q13.2.
Variant type: single nucleotide variant.
Coding change: c.736G>A on transcript NM_001040716.2 (MANE Select); coding-DNA position 736, G replaced by A.
Protein change: p.Glu246Lys; replaces glutamic acid 246 with lysine.
Molecular consequence: missense variant.
Genome position (GRCh38, 1-based): chr11:66,870,790, C>T on the plus strand (G>A on the coding strand, the complement: PC is on the minus strand). VCF-style: chr11-66870790-C-T. GRCh37 (hg19) VCF-style: chr11-66638261-C-T.
Other names: c.736G>A, p.Glu246Lys (NM_000920.4, NM_022172.3); short protein forms E246K.
Identifiers: ClinVar variation 2501793 (VCV002501793.2), dbSNP rs2495773703, ClinGen allele CA381501771.

ClinVar aggregate classification (germline): Conflicting classifications of pathogenicity. Review status: criteria provided, conflicting classifications (1 of 4 stars). 2 submissions from 2 submitters: Likely pathogenic (1); Uncertain significance (1). Last evaluated 2023-11-21.

Conditions:
Pyruvate carboxylase deficiency. Also called: Pyruvate Carboxylase Deficiency Disease; ATAXIA WITH LACTIC ACIDOSIS II; LEIGH NECROTIZING ENCEPHALOPATHY DUE TO PYRUVATE CARBOXYLASE DEFICIENCY; LEIGH SYNDROME DUE TO PYRUVATE CARBOXYLASE DEFICIENCY; PC DEFICIENCY. Identifiers: Orphanet 3008, MedGen C0034341, MONDO:0009949, OMIM 266150.

Allele frequency attached by ClinVar (database versions not stated): gnomAD exomes below 0.00001.
gnomAD v4.1: 2 of 1,613,006 alleles (0.00012%); highest among the groups gnomAD compares: Non-Finnish European, 0.00017%; no homozygotes.

Submissions (2):

Women's Health and Genetics/Laboratory Corporation of America, LabCorp
Classification: Uncertain significance. Last evaluated: 2023-11-21. Review status: criteria provided, single submitter. Criteria: LabCorp Variant Classification Summary - May 2015. Collection method: clinical testing. Allele origin: germline.
Comment: Variant summary: PC c.736G>A (p.Glu246Lys) results in a conservative amino acid change located in the carbamoyl-phosphate synthetase large subunit-like, ATP-binding domain (IPR005479) of the encoded protein sequence. Four of five in-silico tools predict a damaging effect of the variant on protein function. The variant was absent in 250474 control chromosomes (gnomAD). The available data on variant occurrences in the general population are insufficient to allow any conclusion about variant significance. To our knowledge, no occurrence of c.736G>A in individuals affected with Pyruvate Carboxylase Deficiency and no experimental evidence demonstrating its impact on protein function have been reported. One submitter has cited a clinical-significance assessment for this variant to ClinVar after 2014 and has classified the variant as likely pathogenic. Based on the evidence outlined above, the variant was classified as uncertain significance.

Genomic Medicine Center of Excellence, King Faisal Specialist Hospital and Research Centre
Classification: Likely pathogenic for Pyruvate carboxylase deficiency. Last evaluated: 2023-05-08. Review status: criteria provided, single submitter. Criteria: ACMG Guidelines, 2015. Collection method: research. Allele origin: germline. Affected: yes.